The following is an entry in ClinVar:

NM_001009999.3(KDM1A):c.199C>T (p.Arg67Trp)

Gene: KDM1A (lysine demethylase 1A; plus strand). Cytogenetic location: 1p36.12.
Variant type: single nucleotide variant.
Coding change: c.199C>T on transcript NM_001009999.3 (MANE Select); coding-DNA position 199, C replaced by T.
Protein change: p.Arg67Trp; replaces arginine 67 with tryptophan.
Molecular consequence: missense variant.
Genome position (GRCh38, 1-based): chr1:23,019,795, C>T. VCF-style: chr1-23019795-C-T. GRCh37 (hg19) VCF-style: chr1-23346288-C-T.
Other names: c.199C>T, p.Arg67Trp (NM_001363654.2, NM_001410762.1, NM_001410763.1 and 1 more transcripts); short protein forms R67W.
Identifiers: ClinVar variation 3863355 (VCV003863355.1).

ClinVar aggregate classification (germline): Uncertain significance (1 of 4 stars; one submission).

Conditions:
Inborn genetic diseases. Identifiers: MedGen C0950123, MeSH D030342.

gnomAD v4.1: 2 of 1,384,838 alleles (0.00014%); highest among the groups gnomAD compares: Non-Finnish European, 0.00019%; no homozygotes.

Submission:

Ambry Genetics
Classification: Uncertain significance for Inborn genetic diseases. Last evaluated: 2025-03-01. Review status: criteria provided, single submitter. Criteria: Ambry Variant Classification Scheme 2023. Collection method: clinical testing. Allele origin: germline.
Comment: The p.R67W variant (also known as c.199C>T), located in coding exon 1 of the KDM1A gene, results from a C to T substitution at nucleotide position 199. The arginine at codon 67 is replaced by tryptophan, an amino acid with dissimilar properties. This amino acid position is conserved. In addition, this alteration is predicted to be tolerated by in silico analysis. Based on the available evidence, the clinical significance of this variant remains unclear.